The following is an entry in ClinVar:

NM_005462.5(MAGEC1):c.1234A>G (p.Met412Val)

Gene: MAGEC1 (MAGE family member C1; plus strand). Cytogenetic location: Xq27.2.
Variant type: single nucleotide variant.
Coding change: c.1234A>G on transcript NM_005462.5 (MANE Select); coding-DNA position 1234, A replaced by G.
Protein change: p.Met412Val; replaces methionine 412 with valine.
Molecular consequence: missense variant.
Genome position (GRCh38, 1-based): chrX:141,906,638, A>G. VCF-style: chrX-141906638-A-G. GRCh37 (hg19) VCF-style: chrX-140994424-A-G.
Other names: short protein forms M412V.
Identifiers: ClinVar variation 2209320 (VCV002209320.26), dbSNP rs200293020, ClinGen allele CA10533591.
Genomic context (GRCh38, chrX:141,906,638, plus strand): 5'-TCCCCTGAGAGAACTCACAGTACTTTTGAGGGTTTTCCCCAGTCTCCTCTCCAGATTCCT[A>G]TGACCTCCTCCTTCTCCTCTACTTTATTGAGTATTTTACAGAGTTCTCCTGAGAGTGCTC-3'
Protein context (NP_005453.2, residues 402-422): GFPQSPLQIP[Met412Val]TSSFSSTLLS

ClinVar aggregate classification (germline): Likely benign. Review status: criteria provided, multiple submitters, no conflicts (2 of 4 stars). 2 submissions from 2 submitters: Likely benign (2). Last evaluated 2023-02-01.

Allele frequency attached by ClinVar (database versions not stated): ExAC 0.00009; 1000 Genomes Project 30x 0.00125.

Submissions (2):

CeGaT Center for Human Genetics Tuebingen
Classification: Likely benign. Last evaluated: 2023-02-01. Review status: criteria provided, single submitter. Criteria: CeGaT Center For Human Genetics Tuebingen Variant Classification Criteria Version 2. Collection method: clinical testing. Allele origin: germline. Affected: yes. Observed: 1 variant allele.
Comment: MAGEC1: BP4, BS2

Ambry Genetics
Classification: Likely benign. Last evaluated: 2021-06-11. Review status: criteria provided, single submitter. Criteria: Ambry Variant Classification Scheme 2023. Collection method: clinical testing. Allele origin: germline.